The following is an entry in ClinVar:

ClinVar aggregate classification (germline): Uncertain significance (1 of 4 stars; one submission).

Conditions:
Heterotopia, periventricular, X-linked dominant (PVNH1). Also called: PERIVENTRICULAR NODULAR HETEROTOPIA 1; X-linked periventricular heterotopia; PERIVENTRICULAR NODULAR HETEROTOPIA 4; HETEROTOPIA, PERIVENTRICULAR, 1. Identifiers: Orphanet 2149, Orphanet 82004, MedGen C1848213, MONDO:0010233, OMIM 300049.
Melnick-Needles syndrome (MNS). Also called: MELNICK-NEEDLES OSTEODYSPLASTY; OSTEODYSPLASTY OF MELNICK AND NEEDLES; Melnick-Needles Syndrome (FLNA-MNS). Identifiers: Orphanet 2484, MedGen C0025237, MONDO:0010650, OMIM 309350.
Frontometaphyseal dysplasia (FMD1). Identifiers: Orphanet 1826, MedGen C0265293, MONDO:0015942.
Oto-palato-digital syndrome, type II (OPD2). Also called: OPD II SYNDROME; FACIOPALATOOSSEOUS SYNDROME; Otopalatodigital Syndrome Type 2 (FLNA-OPD2); Otopalatodigital Syndrome, Type II. Identifiers: Orphanet 669, Orphanet 90652, MedGen C1844696, MONDO:0010571, OMIM 304120.

Submission:

Labcorp Genetics (formerly Invitae), Labcorp
Classification: Uncertain significance for Oto-palato-digital syndrome, type II; Heterotopia, periventricular, X-linked dominant; Frontometaphyseal dysplasia; Melnick-Needles syndrome. Last evaluated: 2025-03-07. Review status: criteria provided, single submitter. Criteria: Invitae Variant Classification Sherloc (09022015). Collection method: clinical testing. Allele origin: germline.
Comment: This sequence change replaces methionine, which is neutral and non-polar, with arginine, which is basic and polar, at codon 102 of the FLNA protein (p.Met102Arg). This variant is not present in population databases (gnomAD no frequency). This variant has not been reported in the literature in individuals affected with FLNA-related conditions. ClinVar contains an entry for this variant (Variation ID: 1036609). Invitae Evidence Modeling of protein sequence and biophysical properties (such as structural, functional, and spatial information, amino acid conservation, physicochemical variation, residue mobility, and thermodynamic stability) has been performed for this missense variant. However, the output from this modeling did not meet the statistical confidence thresholds required to predict the impact of this variant on FLNA protein function. In summary, the available evidence is currently insufficient to determine the role of this variant in disease. Therefore, it has been classified as a Variant of Uncertain Significance.

NM_001110556.2(FLNA):c.305T>G (p.Met102Arg)

Gene: FLNA (filamin A; minus strand). Cytogenetic location: Xq28.
Variant type: single nucleotide variant.
Coding change: c.305T>G on transcript NM_001110556.2 (MANE Select); coding-DNA position 305, T replaced by G.
Protein change: p.Met102Arg; replaces methionine 102 with arginine.
Molecular consequence: missense variant.
Genome position (GRCh38, 1-based): chrX:154,370,941, A>C on the plus strand (T>G on the coding strand, the complement: FLNA is on the minus strand). VCF-style: chrX-154370941-A-C. GRCh37 (hg19) VCF-style: chrX-153599309-A-C.
Other names: c.305T>G, p.Met102Arg (NM_001456.4); short protein forms M102R.
Identifiers: ClinVar variation 1036609 (VCV001036609.9), dbSNP rs2067801675, ClinGen allele CA415254464.